The following is an entry in ClinVar:

ClinVar aggregate classification (germline): Uncertain significance (1 of 4 stars; one submission).

Conditions:
Inborn genetic diseases. Identifiers: MedGen C0950123, MeSH D030342.

Submission:

Ambry Genetics
Classification: Uncertain significance for Inborn genetic diseases. Last evaluated: 2025-01-19. Review status: criteria provided, single submitter. Criteria: Ambry Variant Classification Scheme 2023. Collection method: clinical testing. Allele origin: germline.
Comment: The p.S253G variant (also known as c.757A>G), located in coding exon 3 of the MBD4 gene, results from an A to G substitution at nucleotide position 757. The serine at codon 253 is replaced by glycine, an amino acid with similar properties. This amino acid position is conserved. In addition, this alteration is predicted to be tolerated by in silico analysis. Based on the available evidence, the clinical significance of this variant remains unclear.

NM_001276270.2(MBD4):c.757A>G (p.Ser253Gly)

Gene: MBD4 (methyl-CpG binding domain 4, DNA glycosylase; minus strand). Cytogenetic location: 3q21.3.
Variant type: single nucleotide variant.
Coding change: c.757A>G on transcript NM_001276270.2 (MANE Select); coding-DNA position 757, A replaced by G.
Protein change: p.Ser253Gly; replaces serine 253 with glycine.
Molecular consequence: missense variant. On other transcripts: intron variant (1).
Genome position (GRCh38, 1-based): chr3:129,436,887, T>C on the plus strand (A>G on the coding strand, the complement: MBD4 is on the minus strand). VCF-style: chr3-129436887-T-C. GRCh37 (hg19) VCF-style: chr3-129155730-T-C.
Other names: c.757A>G, p.Ser253Gly (NM_001276271.2, NM_001276272.2, NM_003925.3); c.247+921A>G (NM_001276273.2); short protein forms S253G.
Identifiers: ClinVar variation 3870903 (VCV003870903.1).
Genomic context (GRCh38, chr3:129,436,887, plus strand): 5'-CATCTGCTTTATTACACACAGATTCTCTTTTGCTATCACTTTGAACAAAACCTGAACAGC[T>C]CTTCCTACATCCTTTTTTAGTTTTCTTAATTGGGATTCCTTTCAAAATAGTCACCTTTCC-3'
Protein context (NP_001263199.1, residues 243-263): IKKTKKGCRK[Ser253Gly]CSGFVQSDSK